The following is an entry in ClinVar:

ClinVar aggregate classification (germline): Uncertain significance (1 of 4 stars; one submission).

Conditions:
Inborn genetic diseases. Identifiers: MedGen C0950123, MeSH D030342.

Allele frequency attached by ClinVar (database versions not stated): ExAC 0.00001; ESP Exome Variant Server 0.00008.

Submission:

Ambry Genetics
Classification: Uncertain significance for Inborn genetic diseases. Last evaluated: 2023-02-28. Review status: criteria provided, single submitter. Criteria: Ambry Variant Classification Scheme 2023. Collection method: clinical testing. Allele origin: germline.
Comment: The p.I1208V variant (also known as c.3622A>G), located in coding exon 27 of the LRRK2 gene, results from an A to G substitution at nucleotide position 3622. The isoleucine at codon 1208 is replaced by valine, an amino acid with highly similar properties. This amino acid position is conserved. In addition, this alteration is predicted to be tolerated by in silico analysis. Since supporting evidence is limited at this time, the clinical significance of this alteration remains unclear.

NM_198578.4(LRRK2):c.3622A>G (p.Ile1208Val)

Gene: LRRK2 (leucine rich repeat kinase 2; plus strand). Cytogenetic location: 12q12.
Variant type: single nucleotide variant.
Coding change: c.3622A>G on transcript NM_198578.4 (MANE Select); coding-DNA position 3622, A replaced by G.
Protein change: p.Ile1208Val; replaces isoleucine 1208 with valine.
Molecular consequence: missense variant.
Genome position (GRCh38, 1-based): chr12:40,303,979, A>G. VCF-style: chr12-40303979-A-G. GRCh37 (hg19) VCF-style: chr12-40697781-A-G.
Other names: short protein forms I1208V.
Identifiers: ClinVar variation 2453136 (VCV002453136.2), dbSNP rs376070508, ClinGen allele CA6513967.
Genomic context (GRCh38, chr12:40,303,979, plus strand): 5'-GTTTATGTCTTTTCTGTGTATTGTTTTAGCTTGCGGTCTTTAGATATGAGCAGCAATGAT[A>G]TTCAGTACCTACCAGGTCCCGCACACTGGAAATCTTTGAACTTAAGGGAACTCTTATTTA-3'
Protein context (NP_940980.4, residues 1198-1218): LRSLDMSSND[Ile1208Val]QYLPGPAHWK